The following is an entry in ClinVar:

NC_000006.11:g.(?_74183068)_(74210458_?)dup

Gene: MTO1 (mitochondrial tRNA translation optimization 1; plus strand). Cytogenetic location: 6q13.
Variant type: Duplication.
Identifiers: ClinVar variation 1473703 (VCV001473703.5).

ClinVar aggregate classification (germline): Uncertain significance (1 of 4 stars; one submission).

Conditions:
Mitochondrial hypertrophic cardiomyopathy with lactic acidosis due to MTO1 deficiency. Also called: CARDIOMYOPATHY, INFANTILE HYPERTROPHIC MITOCHONDRIAL, AND LACTIC ACIDOSIS; Combined oxidative phosphorylation deficiency 10. Identifiers: Orphanet 314637, MedGen C4749921, MONDO:0013865, OMIM 614702.

Submission:

Labcorp Genetics (formerly Invitae), Labcorp
Classification: Uncertain significance for Mitochondrial hypertrophic cardiomyopathy with lactic acidosis due to MTO1 deficiency. Last evaluated: 2022-11-01. Review status: criteria provided, single submitter. Criteria: Invitae Variant Classification Sherloc (09022015). Collection method: clinical testing. Allele origin: germline.
Comment: In summary, the available evidence is currently insufficient to determine the role of this variant in disease. Therefore, it has been classified as a Variant of Uncertain Significance. Experimental studies and prediction algorithms are not available or were not evaluated, and the functional significance of this variant is currently unknown. This variant has not been reported in the literature in individuals affected with MTO1-related conditions. This variant results in a copy number gain of the genomic region encompassing exon(s) 4-12 of the MTO1 gene. This region includes the termination codon of the gene. This copy number gain extends beyond the assayed region for this gene and therefore may encompass additional genes. As the precise location of this event is unknown, it may be in tandem or it may be located elsewhere in the genome.